The following is an entry in ClinVar:

ClinVar aggregate classification (germline): Uncertain significance (1 of 4 stars; one submission).

Conditions:
Atrial fibrillation, familial, 7 (ATFB7). Identifiers: MedGen C2677106, MONDO:0012828, OMIM 612240.

Submission:

Labcorp Genetics (formerly Invitae), Labcorp
Classification: Uncertain significance for Atrial fibrillation, familial, 7. Last evaluated: 2024-10-20. Review status: criteria provided, single submitter. Criteria: Invitae Variant Classification Sherloc (09022015). Collection method: clinical testing. Allele origin: germline.
Comment: This sequence change affects codon 152 of the KCNA5 mRNA. It is a 'silent' change, meaning that it does not change the encoded amino acid sequence of the KCNA5 protein. This variant is not present in population databases (gnomAD no frequency). This variant has not been reported in the literature in individuals affected with KCNA5-related conditions. In summary, the available evidence is currently insufficient to determine the role of this variant in disease. Therefore, it has been classified as a Variant of Uncertain Significance.

NM_002234.4(KCNA5):c.456C>T (p.Arg152=)

Gene: KCNA5 (potassium voltage-gated channel subfamily A member 5; plus strand). Cytogenetic location: 12p13.32.
Variant type: single nucleotide variant.
Coding change: c.456C>T on transcript NM_002234.4 (MANE Select); coding-DNA position 456, C replaced by T.
Protein change: p.Arg152=; no amino-acid change (arginine 152 retained).
Molecular consequence: synonymous variant.
Genome position (GRCh38, 1-based): chr12:5,044,603, C>T. VCF-style: chr12-5044603-C-T. GRCh37 (hg19) VCF-style: chr12-5153769-C-T.
Identifiers: ClinVar variation 3706630 (VCV003706630.2).